The following is an entry in ClinVar:

ClinVar aggregate classification (germline): Uncertain significance (1 of 4 stars; one submission).

Submission:

Genetic Services Laboratory, University of Chicago
Classification: Uncertain significance. Last evaluated: 2020-03-18. Review status: criteria provided, single submitter. Criteria: ACMG Guidelines, 2015. Collection method: clinical testing. Allele origin: germline. Affected: no.
Comment: DNA sequence analysis of the TERT gene demonstrated a sequence change, c.2012G>C, in exon 5 that results in an amino acid change, p.Arg671Pro. The p.Arg671Pro change affects a poorly conserved amino acid residue located in a domain of the TERT protein that is known to be functional. This sequence change is absent from the large population databases (ExAC and gnomAD). In-silico pathogenicity prediction tools (SIFT, PolyPhen2, Align GVGD, REVEL) provide contradictory results for the p.Arg671Pro substitution. This particular amino acid change does not appear to have been described in the literature in other patients with TERT related disorders, however, a different sequence change affecting the same amino acid residue (p.Arg671Trp) has been described in a patient with personal and family history of pulmonary fibrosis (PMID: 20502709). They also demonstrated reduction in in vitro telomerase activity for this variant measured by the telomere repeat amplification protocol (TRAP) assay. The p.Arg671Pro amino acid change also occurs in a region of the TERT gene where other missense sequence changes have been described in patients with TERT-related disorders. Due to these contrasting evidences and the lack of functional studies, the clinical significance of the p.Arg671Pro change remains unknown at this time.

NM_198253.3(TERT):c.2012G>C (p.Arg671Pro)

Gene: TERT (telomerase reverse transcriptase; minus strand). Cytogenetic location: 5p15.33.
Variant type: single nucleotide variant.
Coding change: c.2012G>C on transcript NM_198253.3 (MANE Select); coding-DNA position 2012, G replaced by C.
Protein change: p.Arg671Pro; replaces arginine 671 with proline.
Molecular consequence: missense variant. On other transcripts: non-coding transcript variant (2).
Genome position (GRCh38, 1-based): chr5:1,279,409, C>G on the plus strand (G>C on the coding strand, the complement: TERT is on the minus strand). VCF-style: chr5-1279409-C-G. GRCh37 (hg19) VCF-style: chr5-1279524-C-G.
Other names: c.2012G>C, p.Arg671Pro (NM_001193376.3); short protein forms R671P.
Identifiers: ClinVar variation 1337559 (VCV001337559.4), dbSNP rs774381540, ClinGen allele CA359080691.